The following is an entry in ClinVar:

ClinVar aggregate classification (germline): Uncertain significance (1 of 4 stars; one submission).

Conditions:
Inborn genetic diseases. Identifiers: MedGen C0950123, MeSH D030342.

Allele frequency attached by ClinVar (database versions not stated): TOPMed below 0.00001.

Submission:

Ambry Genetics
Classification: Uncertain significance for Inborn genetic diseases. Last evaluated: 2020-05-15. Review status: criteria provided, single submitter. Criteria: Ambry Variant Classification Scheme 2023. Collection method: clinical testing. Allele origin: germline.
Comment: The p.P1618L variant (also known as c.4853C>T), located in coding exon 7 of the ANKRD11 gene, results from a C to T substitution at nucleotide position 4853. The proline at codon 1618 is replaced by leucine, an amino acid with similar properties. This amino acid position is highly conserved in available vertebrate species. In addition, this alteration is predicted to be tolerated by in silico analysis. Since supporting evidence is limited at this time, the clinical significance of this alteration remains unclear.

NM_013275.6(ANKRD11):c.4853C>T (p.Pro1618Leu)

Gene: ANKRD11 (ankyrin repeat domain containing 11; minus strand). Cytogenetic location: 16q24.3.
Variant type: single nucleotide variant.
Coding change: c.4853C>T on transcript NM_013275.6 (MANE Select); coding-DNA position 4853, C replaced by T.
Protein change: p.Pro1618Leu; replaces proline 1618 with leucine.
Molecular consequence: missense variant.
Genome position (GRCh38, 1-based): chr16:89,281,689, G>A on the plus strand (C>T on the coding strand, the complement: ANKRD11 is on the minus strand). VCF-style: chr16-89281689-G-A. GRCh37 (hg19) VCF-style: chr16-89348097-G-A.
Other names: c.4853C>T, p.Pro1618Leu (NM_001256182.2, NM_001256183.2); short protein forms P1618L.
Identifiers: ClinVar variation 1743586 (VCV001743586.2), dbSNP rs946666247, ClinGen allele CA286515314.